The following is an entry in ClinVar:

NM_138477.4(CDAN1):c.3250G>A (p.Glu1084Lys)

Gene: CDAN1 (codanin 1; minus strand). Cytogenetic location: 15q15.2.
Variant type: single nucleotide variant.
Coding change: c.3250G>A on transcript NM_138477.4 (MANE Select); coding-DNA position 3250, G replaced by A.
Protein change: p.Glu1084Lys; replaces glutamic acid 1084 with lysine.
Molecular consequence: missense variant.
Genome position (GRCh38, 1-based): chr15:42,726,115, C>T on the plus strand (G>A on the coding strand, the complement: CDAN1 is on the minus strand). VCF-style: chr15-42726115-C-T. GRCh37 (hg19) VCF-style: chr15-43018313-C-T.
Other names: p.Glu1084Lys; short protein forms E1084K.
Identifiers: ClinVar variation 4541924 (VCV004541924.1).

ClinVar aggregate classification (germline): Uncertain significance (1 of 4 stars; one submission).

Submission:

Mayo Clinic Laboratories, Mayo Clinic
Classification: Uncertain significance. Last evaluated: 2025-12-17. Review status: criteria provided, single submitter. Criteria: ACMG Guidelines, 2015. Collection method: clinical testing. Allele origin: germline. Observed: 1 variant allele.
Comment: PM2_supporting